The following is an entry in ClinVar:

ClinVar aggregate classification (germline): Uncertain significance (1 of 4 stars; one submission).

Conditions:
Tuberous sclerosis 1 (TSC1). Identifiers: Orphanet 805, MedGen C1854465, MONDO:0008612, OMIM 191100.

Allele frequency attached by ClinVar (database versions not stated): gnomAD exomes below 0.00001.
gnomAD v4.1: 1 of 1,612,342 alleles (0.000062%); highest among the groups gnomAD compares: Non-Finnish European, 0.000085%; no homozygotes.

Submission:

Labcorp Genetics (formerly Invitae), Labcorp
Classification: Uncertain significance for Tuberous sclerosis 1. Last evaluated: 2019-04-23. Review status: criteria provided, single submitter. Criteria: Invitae Variant Classification Sherloc (09022015). Collection method: clinical testing. Allele origin: germline.
Comment: This sequence change replaces alanine with proline at codon 344 of the TSC1 protein (p.Ala344Pro). The alanine residue is moderately conserved and there is a small physicochemical difference between alanine and proline. This variant is not present in population databases (ExAC no frequency). In summary, the available evidence is currently insufficient to determine the role of this variant in disease. Therefore, it has been classified as a Variant of Uncertain Significance. Algorithms developed to predict the effect of sequence changes on RNA splicing suggest that this variant may disrupt the consensus splice site, but this prediction has not been confirmed by published transcriptional studies. Algorithms developed to predict the effect of missense changes on protein structure and function output the following: SIFT: "Tolerated"; PolyPhen-2: "Benign"; Align-GVGD: "Class C0". The proline amino acid residue is found in multiple mammalian species, suggesting that this missense change does not adversely affect protein function. These predictions have not been confirmed by published functional studies and their clinical significance is uncertain. This variant has not been reported in the literature in individuals with TSC1-related conditions.

NM_000368.5(TSC1):c.1030G>C (p.Ala344Pro)

Gene: TSC1 (TSC complex subunit 1; minus strand). Cytogenetic location: 9q34.13.
Variant type: single nucleotide variant.
Coding change: c.1030G>C on transcript NM_000368.5 (MANE Select); coding-DNA position 1030, G replaced by C.
Protein change: p.Ala344Pro; replaces alanine 344 with proline.
Molecular consequence: missense variant.
Genome position (GRCh38, 1-based): chr9:132,911,113, C>G on the plus strand (G>C on the coding strand, the complement: TSC1 is on the minus strand). VCF-style: chr9-132911113-C-G. GRCh37 (hg19) VCF-style: chr9-135786500-C-G.
Other names: c.1030G>C, p.Ala344Pro (NM_001162426.2); c.877G>C, p.Ala293Pro (NM_001162427.2); c.667G>C, p.Ala223Pro (NM_001362177.2); short protein forms A344P, A293P, A223P.
Identifiers: ClinVar variation 945444 (VCV000945444.9), dbSNP rs1845934367, ClinGen allele CA375367928.